The following is an entry in ClinVar:

ClinVar aggregate classification (germline): Pathogenic/Likely pathogenic. Review status: criteria provided, multiple submitters, no conflicts (2 of 4 stars). 3 submissions from 3 submitters: Pathogenic (1); Likely pathogenic (2). Last evaluated 2025-06-29.

Conditions:
BBS4-related disorder. Also called: BBS4-related condition.
Bardet-Biedl syndrome (BBS). Identifiers: Orphanet 110, MedGen C0752166, MONDO:0015229.

Allele frequency attached by ClinVar (database versions not stated): gnomAD exomes below 0.00001.
gnomAD v4.1: 1 of 1,608,944 alleles (0.000062%); highest among the groups gnomAD compares: Admixed American, 0.0017%; no homozygotes.

Submissions (3):

PreventionGenetics, part of Exact Sciences
Classification: Likely pathogenic for BBS4-related condition. Last evaluated: 2025-06-29. Review status: criteria provided, single submitter. Criteria: ACMG Guidelines, 2015. Collection method: clinical testing. Allele origin: germline.
Comment: The BBS4 c.642+2T>G variant is predicted to disrupt the GT donor site and interfere with normal splicing. To our knowledge, this variant has not been reported in individuals with BBS4-related disease. This variant is reported in 0.0029% of alleles in individuals of Latino descent in gnomAD. Variants that disrupt the consensus splice donor site in BBS4 are expected to be pathogenic. This variant is interpreted as likely pathogenic.

Labcorp Genetics (formerly Invitae), Labcorp
Classification: Likely pathogenic for Bardet-Biedl syndrome. Last evaluated: 2024-02-06. Review status: criteria provided, single submitter. Criteria: Invitae Variant Classification Sherloc (09022015). Collection method: clinical testing. Allele origin: germline.
Comment: This sequence change affects a donor splice site in intron 9 of the BBS4 gene. It is expected to disrupt RNA splicing. Variants that disrupt the donor or acceptor splice site typically lead to a loss of protein function (PMID: 16199547), and loss-of-function variants in BBS4 are known to be pathogenic (PMID: 11381270, 12016587, 20177705, 27894351). This variant is present in population databases (no rsID available, gnomAD 0.003%). This variant has not been reported in the literature in individuals affected with BBS4-related conditions. Algorithms developed to predict the effect of sequence changes on RNA splicing suggest that this variant may disrupt the consensus splice site. In summary, the currently available evidence indicates that the variant is pathogenic, but additional data are needed to prove that conclusively. Therefore, this variant has been classified as Likely Pathogenic.

Women's Health and Genetics/Laboratory Corporation of America, LabCorp
Classification: Pathogenic for Bardet-Biedl syndrome. Last evaluated: 2023-12-15. Review status: criteria provided, single submitter. Criteria: LabCorp Variant Classification Summary - May 2015. Collection method: clinical testing. Allele origin: germline.
Comment: Variant summary: BBS4 c.642+2T>G is located in a canonical splice-site and is predicted to affect mRNA splicing resulting in a significantly altered protein due to either exon skipping, shortening, or inclusion of intronic material. Several computational tools predict a significant impact on normal splicing: Four predict the variant abolishes a 5 prime splicing donor site. However, these predictions have yet to be confirmed by functional studies. The variant allele was found at a frequency of 4e-06 in 251122 control chromosomes. To our knowledge, no occurrence of c.642+2T>G in individuals affected with Bardet-Biedl Syndrome and no experimental evidence demonstrating its impact on protein function have been reported. No submitters have cited clinical-significance assessments for this variant to ClinVar after 2014. Based on the evidence outlined above, the variant was classified as pathogenic.

Literature cited by the submitters: PubMed 16199547 (cited by Labcorp Genetics (formerly Invitae), Labcorp); PubMed 11381270 (cited by Labcorp Genetics (formerly Invitae), Labcorp); PubMed 12016587 (cited by Labcorp Genetics (formerly Invitae), Labcorp); PubMed 20177705 (cited by Labcorp Genetics (formerly Invitae), Labcorp); PubMed 27894351 (cited by Labcorp Genetics (formerly Invitae), Labcorp).

NM_033028.5(BBS4):c.642+2T>G

Gene: BBS4 (Bardet-Biedl syndrome 4; plus strand). Cytogenetic location: 15q24.1.
Variant type: single nucleotide variant.
Coding change: c.642+2T>G on transcript NM_033028.5 (MANE Select); the canonical splice donor site of the intron after coding-DNA position 642, T replaced by G.
Molecular consequence: splice donor variant.
Genome position (GRCh38, 1-based): chr15:72,727,996, T>G. VCF-style: chr15-72727996-T-G. GRCh37 (hg19) VCF-style: chr15-73020337-T-G.
Other names: c.642+2T>G (NM_001320665.2, NM_033028.4); c.126+2T>G (NM_001252678.2).
Identifiers: ClinVar variation 2680037 (VCV002680037.7), dbSNP rs1368727960, ClinGen allele CA393077558.